The following is an entry in ClinVar:

ClinVar aggregate classification (germline): Likely benign. Review status: criteria provided, multiple submitters, no conflicts (2 of 4 stars). 3 submissions from 3 submitters: Likely benign (3). Last evaluated 2026-07-30.

Conditions:
Hereditary cancer-predisposing syndrome. Also called: Tumor predisposition; Hereditary Cancer Syndrome; Neoplastic Syndromes, Hereditary; Hereditary neoplastic syndrome. Identifiers: Orphanet 140162, MedGen C0027672, MeSH D009386, MONDO:0015356.
Multiple endocrine neoplasia, type 1 (MEN1). Also called: Endocrine adenomatosis multiple; MEN 1; MEA I; MEN I; WERMER SYNDROME. Identifiers: Orphanet 652, MedGen C0025267, MeSH D018761, MONDO:0007540, OMIM 131100.

Submissions (3):

Ambry Genetics
Classification: Likely benign for Hereditary cancer-predisposing syndrome. Last evaluated: 2026-07-30. Review status: criteria provided, single submitter. Criteria: Ambry Variant Classification Scheme 2023. Collection method: clinical testing. Allele origin: germline.

All of Us Research Program, National Institutes of Health
Classification: Likely benign for Multiple endocrine neoplasia, type 1. Last evaluated: 2023-12-18. Review status: criteria provided, single submitter. Criteria: ACMG Guidelines, 2015. Collection method: clinical testing. Allele origin: germline. Inheritance: Autosomal dominant inheritance. Observed: 1 variant allele, 1 heterozygote.
Comment: This study involves interpretation of variants in research participants for the purpose of population health screening. Participant phenotype was not available at the time of variant classification. Additional details can be found in publication PMID: 35346344, PMCID: PMC8962531

Labcorp Genetics (formerly Invitae), Labcorp
Classification: Likely benign for Multiple endocrine neoplasia, type 1. Last evaluated: 2018-02-13. Review status: criteria provided, single submitter. Criteria: Invitae Variant Classification Sherloc (09022015). Collection method: clinical testing. Allele origin: germline.

NM_001370259.2(MEN1):c.1095T>C (p.Phe365=)

Gene: MEN1 (menin 1; minus strand). Cytogenetic location: 11q13.1.
Variant type: single nucleotide variant.
Coding change: c.1095T>C on transcript NM_001370259.2 (MANE Select); coding-DNA position 1095, T replaced by C.
Protein change: p.Phe365=; no amino-acid change (phenylalanine 365 retained).
Molecular consequence: synonymous variant.
Genome position (GRCh38, 1-based): chr11:64,805,725, A>G on the plus strand (T>C on the coding strand, the complement: MEN1 is on the minus strand). VCF-style: chr11-64805725-A-G. GRCh37 (hg19) VCF-style: chr11-64573197-A-G.
Other names: c.1110T>C, p.Phe370= (NM_000244.4, NM_130800.3, NM_130801.3 and 3 more transcripts); c.1221T>C, p.Phe407= (NM_001370251.2); c.1095T>C, p.Phe365= (NM_001370260.2, NM_001370261.2, NM_130799.3); c.990T>C, p.Phe330= (NM_001370262.2, NM_001370263.2).
Identifiers: ClinVar variation 726337 (VCV000726337.11), dbSNP rs1592640464, ClinGen allele CA474983133.